The following is an entry in ClinVar:

ClinVar aggregate classification (germline): Uncertain significance (1 of 4 stars; one submission).

Conditions:
ROBO4-related disorder. Also called: ROBO4-related condition.

gnomAD v4.1: 241 of 1,612,506 alleles (0.015%); highest among the groups gnomAD compares: Non-Finnish European, 0.018%; no homozygotes.

Submission:

PreventionGenetics, part of Exact Sciences
Classification: Uncertain significance for ROBO4-related condition. Last evaluated: 2025-09-04. Review status: criteria provided, single submitter. Criteria: ACMG Guidelines, 2015. Collection method: clinical testing. Allele origin: germline.
Comment: The ROBO4 c.1472G>A variant is predicted to result in the amino acid substitution p.Arg491His. To our knowledge, this variant has not been reported in the literature. This variant is reported in 0.0087% of alleles in individuals of European (Non-Finnish) descent in gnomAD. At this time, the clinical significance of this variant is uncertain due to the absence of conclusive functional and genetic evidence.

NM_019055.6(ROBO4):c.1472G>A (p.Arg491His)

Gene: ROBO4 (roundabout guidance receptor 4; minus strand). Cytogenetic location: 11q24.2.
Variant type: single nucleotide variant.
Coding change: c.1472G>A on transcript NM_019055.6 (MANE Select); coding-DNA position 1472, G replaced by A.
Protein change: p.Arg491His; replaces arginine 491 with histidine.
Molecular consequence: missense variant.
Genome position (GRCh38, 1-based): chr11:124,893,892, C>T on the plus strand (G>A on the coding strand, the complement: ROBO4 is on the minus strand). VCF-style: chr11-124893892-C-T. GRCh37 (hg19) VCF-style: chr11-124763788-C-T.
Other names: c.1037G>A, p.Arg346His (NM_001301088.2); c.1472G>A, p.Arg491His (NM_001441183.1); short protein forms R346H, R491H.
Identifiers: ClinVar variation 4981201 (VCV004981201.1).